The following is an entry in ClinVar:

NM_001382567.1(STIM1):c.541A>G (p.Met181Val)

Gene: STIM1 (stromal interaction molecule 1; plus strand). Cytogenetic location: 11p15.4.
Variant type: single nucleotide variant.
Coding change: c.541A>G on transcript NM_001382567.1 (MANE Select); coding-DNA position 541, A replaced by G.
Protein change: p.Met181Val; replaces methionine 181 with valine.
Molecular consequence: missense variant. On other transcripts: non-coding transcript variant (3), intron variant (1).
Genome position (GRCh38, 1-based): chr11:4,059,324, A>G. VCF-style: chr11-4059324-A-G. GRCh37 (hg19) VCF-style: chr11-4080554-A-G.
Other names: c.541A>G, p.Met181Val (NM_001277961.3, NM_001277962.2, NM_001382568.1 and 2 more transcripts); c.319A>G, p.Met107Val (NM_001382566.1, NM_001382573.1, NM_001382574.1 and 5 more transcripts); c.406A>G, p.Met136Val (NM_001382569.1); c.61A>G, p.Met21Val (NM_001382571.1); c.52A>G, p.Met18Val (NM_001382580.1, NM_001382581.1); c.386-10702A>G (NM_001382570.1); c.541A>G (NM_003156.3); short protein forms M107V, M136V, M181V, M18V, M21V.
Identifiers: ClinVar variation 1319257 (VCV001319257.9), dbSNP rs2094314118, ClinGen allele CA379485774.

ClinVar aggregate classification (germline): Uncertain significance. Review status: criteria provided, multiple submitters, no conflicts (2 of 4 stars). 4 submissions from 4 submitters: Uncertain significance (4). Last evaluated 2025-12-23.

Conditions:
STIM1-related disorder. Also called: STIM1-related condition.
Combined immunodeficiency due to STIM1 deficiency. Also called: STIM1 DEFICIENCY; IMMUNODEFICIENCY 10. Identifiers: Orphanet 169090, Orphanet 317430, MedGen C2748557, MONDO:0013008, OMIM 612783.
Myopathy with tubular aggregates (TAM). Also called: Tubular Aggregate Myopathy. Identifiers: Orphanet 2593, MedGen C0410207, MONDO:0008051.
Stormorken syndrome (STRMK). Also called: THROMBOCYTOPATHY, ASPLENIA, AND MIOSIS. Identifiers: Orphanet 3204, MedGen C1861451, MONDO:0008497, OMIM 185070.

Allele frequency attached by ClinVar (database versions not stated): gnomAD exomes below 0.00001; TOPMed below 0.00001.

Submissions (4):

Labcorp Genetics (formerly Invitae), Labcorp
Classification: Uncertain significance for Myopathy with tubular aggregates; Combined immunodeficiency due to STIM1 deficiency; Stormorken syndrome. Last evaluated: 2025-12-23. Review status: criteria provided, single submitter. Criteria: Invitae Variant Classification Sherloc (09022015). Collection method: clinical testing. Allele origin: germline.
Comment: This sequence change replaces methionine, which is neutral and non-polar, with valine, which is neutral and non-polar, at codon 181 of the STIM1 protein (p.Met181Val). This variant is not present in population databases (gnomAD no frequency). This variant has not been reported in the literature in individuals affected with STIM1-related conditions. ClinVar contains an entry for this variant (Variation ID: 1319257). Invitae Evidence Modeling of protein sequence and biophysical properties (such as structural, functional, and spatial information, amino acid conservation, physicochemical variation, residue mobility, and thermodynamic stability) has been performed for this missense variant. However, the output from this modeling did not meet the statistical confidence thresholds required to predict the impact of this variant on STIM1 protein function. In summary, the available evidence is currently insufficient to determine the role of this variant in disease. Therefore, it has been classified as a Variant of Uncertain Significance.

Blueprint Genetics
Classification: Uncertain significance. Last evaluated: 2023-10-10. Review status: criteria provided, single submitter. Criteria: ACMG Guidelines, 2015. Collection method: clinical testing. Allele origin: germline.

PreventionGenetics, part of Exact Sciences
Classification: Uncertain significance for STIM1-related condition. Last evaluated: 2023-03-14. Review status: criteria provided, single submitter. Criteria: ACMG Guidelines, 2015. Collection method: clinical testing. Allele origin: germline.
Comment: The STIM1 c.541A>G variant is predicted to result in the amino acid substitution p.Met181Val. To our knowledge, this variant has not been reported in the literature or in a large population database, indicating this variant is rare. At this time, the clinical significance of this variant is uncertain due to the absence of conclusive functional and genetic evidence.

Institute for Clinical Genetics, University Hospital TU Dresden, University Hospital TU Dresden
Classification: Uncertain significance. Last evaluated: 2021-11-03. Review status: criteria provided, single submitter. Criteria: ACMG Guidelines, 2015. Collection method: clinical testing. Allele origin: germline.